The following is an entry in ClinVar:

ClinVar aggregate classification (germline): Uncertain significance (1 of 4 stars; one submission).

Submission:

GeneDx
Classification: Uncertain significance. Last evaluated: 2024-04-15. Review status: criteria provided, single submitter. Criteria: GeneDx Variant Classification Process June 2021. Collection method: clinical testing. Allele origin: germline. Affected: yes.
Comment: Not observed at significant frequency in large population cohorts (gnomAD); In silico analysis supports a deleterious effect on splicing; Has not been previously published as pathogenic or benign to our knowledge

NM_001375380.1(EBF3):c.486-7T>G

Gene: EBF3 (EBF transcription factor 3; minus strand). Cytogenetic location: 10q26.3.
Variant type: single nucleotide variant.
Coding change: c.486-7T>G on transcript NM_001375380.1 (MANE Select); 7 bases into the intron before coding-DNA position 486, T replaced by G.
Molecular consequence: intron variant.
Genome position (GRCh38, 1-based): chr10:129,957,333, A>C on the plus strand (T>G on the coding strand, the complement: EBF3 is on the minus strand). VCF-style: chr10-129957333-A-C. GRCh37 (hg19) VCF-style: chr10-131755597-A-C.
Other names: c.486-7T>G (NM_001375392.1, NM_001005463.3, NM_001375390.1 and 3 more transcripts).
Identifiers: ClinVar variation 3371727 (VCV003371727.1).